The following is an entry in ClinVar:

NM_003482.4(KMT2D):c.4021G>A (p.Val1341Ile)

Gene: KMT2D (lysine methyltransferase 2D; minus strand). Cytogenetic location: 12q13.12.
Variant type: single nucleotide variant.
Coding change: c.4021G>A on transcript NM_003482.4 (MANE Select); coding-DNA position 4021, G replaced by A.
Protein change: p.Val1341Ile; replaces valine 1341 with isoleucine.
Molecular consequence: missense variant.
Genome position (GRCh38, 1-based): chr12:49,048,769, C>T on the plus strand (G>A on the coding strand, the complement: KMT2D is on the minus strand). VCF-style: chr12-49048769-C-T. GRCh37 (hg19) VCF-style: chr12-49442552-C-T.
Other names: short protein forms V1341I.
Identifiers: ClinVar variation 4745760 (VCV004745760.1).

ClinVar aggregate classification (germline): Uncertain significance (1 of 4 stars; one submission).

Conditions:
Kabuki syndrome. Also called: NIIKAWA-KUROKI SYNDROME; Kabuki make-up syndrome. Identifiers: Orphanet 2322, MedGen C0796004, MONDO:0016512.

Submission:

Labcorp Genetics (formerly Invitae), Labcorp
Classification: Uncertain significance for Kabuki syndrome. Last evaluated: 2025-09-21. Review status: criteria provided, single submitter. Criteria: Invitae Variant Classification Sherloc (09022015). Collection method: clinical testing. Allele origin: germline.
Comment: This sequence change replaces valine, which is neutral and non-polar, with isoleucine, which is neutral and non-polar, at codon 1341 of the KMT2D protein (p.Val1341Ile). This variant is not present in population databases (gnomAD no frequency). This variant has not been reported in the literature in individuals affected with KMT2D-related conditions. An algorithm developed to predict the effect of missense changes on protein structure and function (PolyPhen-2) suggests that this variant is likely to be disruptive. In summary, the available evidence is currently insufficient to determine the role of this variant in disease. Therefore, it has been classified as a Variant of Uncertain Significance.